The following is an entry in ClinVar:

NM_001035.3(RYR2):c.2935G>T (p.Ala979Ser)

Gene: RYR2 (ryanodine receptor 2; plus strand). Cytogenetic location: 1q43.
Variant type: single nucleotide variant.
Coding change: c.2935G>T on transcript NM_001035.3 (MANE Select); coding-DNA position 2935, G replaced by T.
Protein change: p.Ala979Ser; replaces alanine 979 with serine.
Molecular consequence: missense variant.
Genome position (GRCh38, 1-based): chr1:237,548,459, G>T. VCF-style: chr1-237548459-G-T. GRCh37 (hg19) VCF-style: chr1-237711759-G-T.
Other names: p.A979S:GCC>TCC; short protein forms A979S.
Identifiers: ClinVar variation 178118 (VCV000178118.37), dbSNP rs202015519, ClinGen allele CA008979.

ClinVar aggregate classification (germline): Conflicting classifications of pathogenicity. Review status: criteria provided, conflicting classifications (1 of 4 stars). 11 submissions from 10 submitters: Uncertain significance (1); Benign (1); Likely benign (9). Last evaluated 2026-09-01.

Conditions:
RYR2-related disorder. Also called: RYR2-related condition.
Cardiovascular phenotype. Identifiers: MedGen CN230736.
Cardiomyopathy (CMYO). Also called: Cardiomyopathies. Identifiers: Orphanet 167848, MedGen C0878544, MONDO:0004994, HP:0001638. Inheritance: Various modes of inheritance.
Catecholaminergic polymorphic ventricular tachycardia 1. Also called: VENTRICULAR TACHYCARDIA, STRESS-INDUCED POLYMORPHIC 1; VENTRICULAR TACHYCARDIA, CATECHOLAMINERGIC POLYMORPHIC, 1, WITH OR WITHOUT ATRIAL DYSFUNCTION AND/OR DILATED CARDIOMYOPATHY; RYR2-Related Catecholaminergic Polymorphic Ventricular Tachycardia. Identifiers: Orphanet 3286, MedGen C1631597, MONDO:0011484, OMIM 604772.
Arrhythmogenic right ventricular dysplasia 2. Identifiers: MedGen C1832931.

Allele frequency attached by ClinVar (database versions not stated): gnomAD exomes 0.00014 and 0.00007; ExAC 0.00016; 1000 Genomes Project 30x 0.00031; 1000 Genomes Project 0.00040; gnomAD 0.00058 and 0.00061; TOPMed 0.00068; ESP Exome Variant Server 0.00075.
gnomAD v4.1: 228 of 1,613,942 alleles (0.014%); highest among the groups gnomAD compares: African/African-American, 0.24%; 4 homozygotes.

Submissions (11):

CeGaT Center for Human Genetics Tuebingen
Classification: Likely benign. Last evaluated: 2026-09-01. Review status: criteria provided, single submitter. Criteria: CeGaT Center For Human Genetics Tuebingen Variant Classification Criteria Version 2. Collection method: clinical testing. Allele origin: germline. Affected: yes. Observed: 1 variant allele.
Comment: RYR2: BS1

Labcorp Genetics (formerly Invitae), Labcorp
Classification: Likely benign for Catecholaminergic polymorphic ventricular tachycardia 1. Last evaluated: 2026-02-01. Review status: criteria provided, single submitter. Criteria: Invitae Variant Classification Sherloc (09022015). Collection method: clinical testing. Allele origin: germline.

PreventionGenetics, part of Exact Sciences
Classification: Likely benign for RYR2-related condition. Last evaluated: 2025-09-10. Review status: criteria provided, single submitter. Criteria: ACMG Guidelines, 2015. Collection method: clinical testing. Allele origin: germline.
Comment: This variant is classified as likely benign based on ACMG/AMP sequence variant interpretation guidelines (Richards et al. 2015 PMID: 25741868, with internal and published modifications).

Women's Health and Genetics/Laboratory Corporation of America, LabCorp
Classification: Likely benign. Last evaluated: 2024-03-12. Review status: criteria provided, single submitter. Criteria: LabCorp Variant Classification Summary - May 2015. Collection method: clinical testing. Allele origin: germline.

Blueprint Genetics
Classification: Likely benign. Last evaluated: 2024-01-23. Review status: criteria provided, single submitter. Criteria: ACMG Guidelines, 2015. Collection method: clinical testing. Allele origin: germline.

GeneDx
Classification: Likely benign. Last evaluated: 2023-10-18. Review status: criteria provided, single submitter. Criteria: GeneDx Variant Classification Process June 2021. Collection method: clinical testing. Allele origin: germline. Affected: yes.
Comment: See Variant Classification Assertion Criteria.

Ambry Genetics
Classification: Likely benign for Cardiovascular phenotype. Last evaluated: 2020-06-29. Review status: criteria provided, single submitter. Criteria: Ambry Variant Classification Scheme 2023. Collection method: clinical testing. Allele origin: germline.

Laboratory for Molecular Medicine, Mass General Brigham Personalized Medicine
Classification: Likely benign. Last evaluated: 2020-06-01. Review status: criteria provided, single submitter. Criteria: LMM Criteria. Collection method: clinical testing. Allele origin: germline. Observed: 1 variant allele.
Comment: proposed classification - variant undergoing re-assessment, contact laboratory

Color Diagnostics, LLC DBA Color Health
Classification: Likely benign for Cardiomyopathy. Last evaluated: 2018-12-17. Review status: criteria provided, single submitter. Criteria: ACMG Guidelines, 2015. Collection method: clinical testing. Allele origin: germline.

Illumina Laboratory Services, Illumina
Classification: Benign for Catecholaminergic polymorphic ventricular tachycardia 1. Last evaluated: 2017-04-28. Review status: criteria provided, single submitter. Criteria: ICSL Variant Classification Criteria 13 December 2019. Collection method: clinical testing. Allele origin: germline.
Comment: This variant was observed as part of a predisposition screen in an ostensibly healthy population. A literature search was performed for the gene, cDNA change, and amino acid change (where applicable). No publications were found based on this search. Allele frequency data from public databases was too high to be consistent with this variant causing disease. Therefore, this variant is classified as benign.

Illumina Laboratory Services, Illumina
Classification: Uncertain significance for Catecholaminergic polymorphic ventricular tachycardia 1. Last evaluated: 2017-04-28. Review status: criteria provided, single submitter. Criteria: ICSL Variant Classification Criteria 13 December 2019. Collection method: clinical testing. Allele origin: germline.
Comment: This variant was observed as part of a predisposition screen in an ostensibly healthy population. A literature search was performed for the gene, cDNA change, and amino acid change (where applicable). Publications were found based on this search. However, the evidence from the literature, in combination with allele frequency data from public databases where available, was not sufficient to rule this variant in or out of causing disease. Therefore, this variant is classified as a variant of unknown significance.

Literature cited by the submitters: PubMed 25351510 (cited by Women's Health and Genetics/Laboratory Corporation of America, LabCorp and Ambry Genetics); PubMed 28404607 (cited by Women's Health and Genetics/Laboratory Corporation of America, LabCorp and Ambry Genetics); PubMed 31847883 (cited by Women's Health and Genetics/Laboratory Corporation of America, LabCorp); PubMed 27727376 (cited by 3 submitters).